The following is an entry in ClinVar:

NM_001042492.3(NF1):c.6643-2del

Gene: NF1 (neurofibromin 1; plus strand). Cytogenetic location: 17q11.2.
Variant type: Deletion.
Coding change: c.6643-2del on transcript NM_001042492.3 (MANE Select); the canonical splice acceptor site of the intron before coding-DNA position 6643, one base deleted (A; older notation c.6643-2delA).
Molecular consequence: splice acceptor variant.
Genome position (GRCh38, 1-based): chr17:31,337,817, A deleted. VCF-style (leftmost placement, unchanged base first): chr17-31337816-TA-T. GRCh37 (hg19) VCF-style: chr17-29664834-TA-T.
Other names: c.6580-2del (NM_000267.4).
Identifiers: ClinVar variation 3661171 (VCV003661171.2).

ClinVar aggregate classification (germline): Likely pathogenic (1 of 4 stars; one submission).

Conditions:
Neurofibromatosis, type 1 (NF1). Also called: Peripheral type neurofibromatosis; VON RECKLINGHAUSEN DISEASE; NEUROFIBROMATOSIS, TYPE I, SOMATIC; Neurofibromatosis, type I. Identifiers: Orphanet 636, MedGen C0027831, MONDO:0018975, OMIM 162200. Disease mechanism: loss of function.

Submission:

Labcorp Genetics (formerly Invitae), Labcorp
Classification: Likely pathogenic for Neurofibromatosis, type 1. Last evaluated: 2025-05-07. Review status: criteria provided, single submitter. Criteria: Invitae Variant Classification Sherloc (09022015). Collection method: clinical testing. Allele origin: germline.
Comment: This sequence change affects a splice site in intron 42 of the NF1 gene. It is expected to disrupt RNA splicing. Variants that disrupt the donor or acceptor splice site typically lead to a loss of protein function (PMID: 16199547), and loss-of-function variants in NF1 are known to be pathogenic (PMID: 10712197, 23913538). This variant is not present in population databases (gnomAD no frequency). This variant has not been reported in the literature in individuals affected with NF1-related conditions. ClinVar contains an entry for this variant (Variation ID: 3661171). Algorithms developed to predict the effect of sequence changes on RNA splicing suggest that this variant may disrupt the consensus splice site. In summary, the currently available evidence indicates that the variant is pathogenic, but additional data are needed to prove that conclusively. Therefore, this variant has been classified as Likely Pathogenic.

Literature cited by the submitters: PubMed 16199547; PubMed 10712197; PubMed 23913538.